The following is an entry in ClinVar:

NM_000032.5(ALAS2):c.495C>A (p.Phe165Leu)

Gene: ALAS2 (5'-aminolevulinate synthase 2; minus strand). Cytogenetic location: Xp11.21.
Variant type: single nucleotide variant.
Coding change: c.495C>A on transcript NM_000032.5 (MANE Select); coding-DNA position 495, C replaced by A.
Protein change: p.Phe165Leu; replaces phenylalanine 165 with leucine.
Molecular consequence: missense variant.
Genome position (GRCh38, 1-based): chrX:55,021,195, G>T on the plus strand (C>A on the coding strand, the complement: ALAS2 is on the minus strand). VCF-style: chrX-55021195-G-T. GRCh37 (hg19) VCF-style: chrX-55047628-G-T.
Other names: c.495C>A, p.Phe165Leu (LRG_1163t1); c.384C>A, p.Phe128Leu (NM_001037967.4); c.456C>A, p.Phe152Leu (NM_001037968.4); short protein forms F165L, F152L, F128L.
Identifiers: ClinVar variation 10470 (VCV000010470.9), dbSNP rs137852301, ClinGen allele CA121078.

ClinVar aggregate classification (germline): Pathogenic. Review status: criteria provided, single submitter (1 of 4 stars). 2 submissions from 2 submitters: Pathogenic (1). 1 of the submissions does not count toward it. Last evaluated 2021-04-08.

Conditions:
X-linked sideroblastic anemia 1. Also called: Erythroid 5-aminolevulinate synthase deficiency; X chromosome-linked sideroblastic anemia; ANEMIA, SIDEROBLASTIC, 1, PYRIDOXINE REFRACTORY; X-linked pyridoxine-refractory sideroblastic anemia; Anemia, sideroblastic, 1; Anemia, hereditary sideroblastic 1, pyridoxine refractory. Identifiers: Orphanet 75563, MedGen C4551511, MONDO:0020721, OMIM 300751. Disease mechanism: loss of function.

Submissions (2):

Labcorp Genetics (formerly Invitae), Labcorp
Classification: Pathogenic. Last evaluated: 2021-04-08. Review status: criteria provided, single submitter. Criteria: Invitae Variant Classification Sherloc (09022015). Collection method: clinical testing. Allele origin: germline.
Comment: Experimental studies have shown that this variant affects ALAS2 protein function (PMID: 7949148). For these reasons, this variant has been classified as Pathogenic. Advanced modeling of protein sequence and biophysical properties (such as structural, functional, and spatial information, amino acid conservation, physicochemical variation, residue mobility, and thermodynamic stability) performed at Invitae indicates that this missense variant is expected to disrupt ALAS2 protein function. This variant has been observed in individual(s) with X-linked sideroblastic anemia (PMID: 7949148). It has also been observed to segregate with disease in related individuals. ClinVar contains an entry for this variant (Variation ID: 10470). This variant is not present in population databases (ExAC no frequency). This sequence change replaces phenylalanine with leucine at codon 165 of the ALAS2 protein (p.Phe165Leu). The phenylalanine residue is highly conserved and there is a small physicochemical difference between phenylalanine and leucine.

OMIM
Classification: Pathogenic for ANEMIA, SIDEROBLASTIC, 1. Last evaluated: 2005-09-21. Review status: no assertion criteria provided. Collection method: literature only. Allele origin: germline. Not counted in ClinVar's aggregate classification.

Literature cited by the submitters: PubMed 7949148 (cited by Labcorp Genetics (formerly Invitae), Labcorp and OMIM); Cooley, T. B. A severe type of hereditary anemia with elliptocytosis: interesting sequence of splenectomy. Am. J. Med. Sci. 209: 561-568, 1945. (cited by OMIM); PubMed 16121195 (cited by OMIM).